The following is an entry in ClinVar:

ClinVar aggregate classification (germline): Benign (1 of 4 stars; one submission).

Allele frequency attached by ClinVar (database versions not stated): gnomAD exomes 0.60133; 1000 Genomes Project 0.65655; 1000 Genomes Project 30x 0.66583; TOPMed 0.67636; gnomAD 0.67664 and 0.68541.
gnomAD v4.1: 622,924 of 1,017,474 alleles (61%); highest among the groups gnomAD compares: African/African-American, 92%; 194,818 homozygotes.

Submission:

GeneDx
Classification: Benign. Last evaluated: 2018-06-14. Review status: criteria provided, single submitter. Criteria: GeneDx Variant Classification (06012015). Collection method: clinical testing. Allele origin: germline. Affected: yes.
Comment: This variant is considered likely benign or benign based on one or more of the following criteria: it is a conservative change, it occurs at a poorly conserved position in the protein, it is predicted to be benign by multiple in silico algorithms, and/or has population frequency not consistent with disease.

NM_182961.4(SYNE1):c.17541+128A>T

Genes: SYNE1 (spectrin repeat containing nuclear envelope protein 1; minus strand), LOC129997479 (ATAC-STARR-seq lymphoblastoid active region 25286; plus strand). Cytogenetic location: 6q25.2.
Variant type: single nucleotide variant.
Coding change: c.17541+128A>T on transcript NM_182961.4 (MANE Select); 128 bases into the intron after coding-DNA position 17541, A replaced by T.
Molecular consequence: intron variant.
Genome position (GRCh38, 1-based): chr6:152,301,741, T>A on the plus strand (A>T on the coding strand, the complement: SYNE1 is on the minus strand). VCF-style: chr6-152301741-T-A. GRCh37 (hg19) VCF-style: chr6-152622876-T-A.
Other names: c.17328+128A>T (NM_033071.5).
Identifiers: ClinVar variation 670187 (VCV000670187.1), dbSNP rs1010714, ClinGen allele CA12213406.